The following is an entry in ClinVar:

ClinVar aggregate classification (germline): Uncertain significance. Review status: criteria provided, multiple submitters, no conflicts (2 of 4 stars). 2 submissions from 2 submitters: Uncertain significance (2). Last evaluated 2025-04-17.

Conditions:
Arrhythmogenic cardiomyopathy with wooly hair and keratoderma. Also called: Dilated cardiomyopathy with woolly hair and keratoderma; Arrhythmogenic cardiomyopathy with woolly hair and keratoderma; Carvajal syndrome; PALMOPLANTAR KERATODERMA WITH LEFT VENTRICULAR CARDIOMYOPATHY AND WOOLLY HAIR. Identifiers: Orphanet 65282, MedGen C1854063, MONDO:0011581, OMIM 605676.
Arrhythmogenic right ventricular dysplasia 8 (ARVD8). Also called: Arrhythmogenic Right Ventricular Dysplasia/Cardiomyopathy 8; ARRHYTHMOGENIC RIGHT VENTRICULAR DYSPLASIA, FAMILIAL, 8; ARRHYTHMOGENIC RIGHT VENTRICULAR CARDIOMYOPATHY 8. Identifiers: MedGen C1843896, MONDO:0011831, OMIM 607450.
Cardiomyopathy (CMYO). Also called: Cardiomyopathies. Identifiers: Orphanet 167848, MedGen C0878544, MONDO:0004994, HP:0001638. Inheritance: Various modes of inheritance.

Allele frequency attached by ClinVar (database versions not stated): gnomAD exomes below 0.00001.
gnomAD v4.1: 1 of 1,613,652 alleles (0.000062%); highest among the groups gnomAD compares: Non-Finnish European, 0.000085%; no homozygotes.

Submissions (2):

Labcorp Genetics (formerly Invitae), Labcorp
Classification: Uncertain significance for Arrhythmogenic cardiomyopathy with wooly hair and keratoderma; Arrhythmogenic right ventricular dysplasia 8. Last evaluated: 2025-04-17. Review status: criteria provided, single submitter. Criteria: Invitae Variant Classification Sherloc (09022015). Collection method: clinical testing. Allele origin: germline.
Comment: This sequence change replaces valine, which is neutral and non-polar, with isoleucine, which is neutral and non-polar, at codon 1176 of the DSP protein (p.Val1176Ile). This variant is not present in population databases (gnomAD no frequency). This variant has not been reported in the literature in individuals affected with DSP-related conditions. ClinVar contains an entry for this variant (Variation ID: 1905514). An algorithm developed to predict the effect of missense changes on protein structure and function outputs the following: PolyPhen-2: "Benign". The isoleucine amino acid residue is found in multiple mammalian species, which suggests that this missense change does not adversely affect protein function. In summary, the available evidence is currently insufficient to determine the role of this variant in disease. Therefore, it has been classified as a Variant of Uncertain Significance.

Color Diagnostics, LLC DBA Color Health
Classification: Uncertain significance for Cardiomyopathy. Last evaluated: 2024-03-07. Review status: criteria provided, single submitter. Criteria: ACMG Guidelines, 2015. Collection method: clinical testing. Allele origin: germline.
Comment: This missense variant replaces valine with isoleucine at codon 1176 of the DSP protein. Computational prediction suggests that this variant may not impact protein structure and function (internally defined REVEL score threshold <= 0.5, PMID: 27666373). To our knowledge, functional studies have not been reported for this variant. This variant has not been reported in individuals affected with cardiovascular disorders in the literature. This variant has not been identified in the general population by the Genome Aggregation Database (gnomAD). The available evidence is insufficient to determine the role of this variant in disease conclusively. Therefore, this variant is classified as a Variant of Uncertain Significance.

NM_004415.4(DSP):c.3526G>A (p.Val1176Ile)

Gene: DSP (desmoplakin; plus strand). Cytogenetic location: 6p24.3.
Variant type: single nucleotide variant.
Coding change: c.3526G>A on transcript NM_004415.4 (MANE Select); coding-DNA position 3526, G replaced by A.
Protein change: p.Val1176Ile; replaces valine 1176 with isoleucine.
Molecular consequence: missense variant.
Genome position (GRCh38, 1-based): chr6:7,579,716, G>A. VCF-style: chr6-7579716-G-A. GRCh37 (hg19) VCF-style: chr6-7579949-G-A.
Other names: c.3526G>A, p.Val1176Ile (NM_001008844.3, NM_001319034.2); short protein forms V1176I.
Identifiers: ClinVar variation 1905514 (VCV001905514.7), dbSNP rs1261167694, ClinGen allele CA362684266.